The following is an entry in ClinVar:

NM_001851.6(COL9A1):c.1143+308C>G

Gene: COL9A1 (collagen type IX alpha 1 chain; minus strand). Cytogenetic location: 6q13.
Variant type: single nucleotide variant.
Coding change: c.1143+308C>G on transcript NM_001851.6 (MANE Select); 308 bases into the intron after coding-DNA position 1143, C replaced by G.
Molecular consequence: intron variant.
Genome position (GRCh38, 1-based): chr6:70,271,347, G>C on the plus strand (C>G on the coding strand, the complement: COL9A1 is on the minus strand). VCF-style: chr6-70271347-G-C. GRCh37 (hg19) VCF-style: chr6-70981050-G-C.
Other names: c.414+308C>G (NM_001377290.1, NM_078485.4, NM_001377289.1).
Identifiers: ClinVar variation 672690 (VCV000672690.1), dbSNP rs16868866, ClinGen allele CA140880261.

ClinVar aggregate classification (germline): Benign (1 of 4 stars; one submission).

Allele frequency attached by ClinVar (database versions not stated): gnomAD 0.02402 and 0.02480; 1000 Genomes Project 0.02576; TOPMed 0.02604; 1000 Genomes Project 30x 0.02733.
gnomAD v4.1: 3,638 of 152,118 alleles (2.4%); highest among the groups gnomAD compares: African/African-American, 7.1%; 129 homozygotes.

Submission:

GeneDx
Classification: Benign. Last evaluated: 2018-06-14. Review status: criteria provided, single submitter. Criteria: GeneDx Variant Classification (06012015). Collection method: clinical testing. Allele origin: germline. Affected: yes.
Comment: This variant is considered likely benign or benign based on one or more of the following criteria: it is a conservative change, it occurs at a poorly conserved position in the protein, it is predicted to be benign by multiple in silico algorithms, and/or has population frequency not consistent with disease.